The following is an entry in ClinVar:

NM_020549.5(CHAT):c.1122C>T (p.Asn374=)

Gene: CHAT (choline O-acetyltransferase; plus strand). Cytogenetic location: 10q11.23.
Variant type: single nucleotide variant.
Coding change: c.1122C>T on transcript NM_020549.5 (MANE Select); coding-DNA position 1122, C replaced by T.
Protein change: p.Asn374=; no amino-acid change (asparagine 374 retained).
Molecular consequence: synonymous variant.
Genome position (GRCh38, 1-based): chr10:49,646,515, C>T. VCF-style: chr10-49646515-C-T. GRCh37 (hg19) VCF-style: chr10-50854561-C-T.
Other names: p.Asn374=; c.768C>T, p.Asn256= (NM_001142929.2, NM_001142934.2, NM_020984.4 and 2 more transcripts); c.876C>T, p.Asn292= (NM_001142933.2).
Identifiers: ClinVar variation 128715 (VCV000128715.20), dbSNP rs61115650, ClinGen allele CA152329.

ClinVar aggregate classification (germline): Benign. Review status: criteria provided, multiple submitters, no conflicts (2 of 4 stars). 7 submissions from 7 submitters: Benign (7). Last evaluated 2026-02-04.

Conditions:
Familial infantile myasthenia (CMS6). Also called: MYASTHENIC SYNDROME, CONGENITAL, 6, PRESYNAPTIC; Congenital myasthenic syndrome type 6; MYASTHENIC SYNDROME, PRESYNAPTIC, CONGENITAL, ASSOCIATED WITH EPISODIC APNEA. Identifiers: Orphanet 590, MedGen C0393929, MONDO:0009689, OMIM 254210.

Allele frequency attached by ClinVar (database versions not stated): gnomAD exomes 0.00194 and 0.00506; ExAC 0.00603; gnomAD 0.01896 and 0.02026; TOPMed 0.02192; ESP Exome Variant Server 0.02199; 1000 Genomes Project 0.02296; 1000 Genomes Project 30x 0.02436.

Submissions (7):

Labcorp Genetics (formerly Invitae), Labcorp
Classification: Benign for Familial infantile myasthenia. Last evaluated: 2026-02-04. Review status: criteria provided, single submitter. Criteria: Invitae Variant Classification Sherloc (09022015). Collection method: clinical testing. Allele origin: germline.

Mayo Clinic Laboratories, Mayo Clinic
Classification: Benign. Last evaluated: 2025-02-04. Review status: criteria provided, single submitter. Criteria: ACMG Guidelines, 2015. Collection method: clinical testing. Allele origin: germline. Observed: 20 variant alleles.
Comment: BA1, BS2, BP4, BP7

Athena Diagnostics
Classification: Benign. Last evaluated: 2017-11-06. Review status: criteria provided, single submitter. Criteria: Athena Diagnostics Criteria. Collection method: clinical testing. Allele origin: germline.

GeneDx
Classification: Benign. Last evaluated: 2016-12-31. Review status: criteria provided, single submitter. Criteria: GeneDx Variant Classification (06012015). Collection method: clinical testing. Allele origin: germline. Affected: yes.
Comment: This variant is considered likely benign or benign based on one or more of the following criteria: it is a conservative change, it occurs at a poorly conserved position in the protein, it is predicted to be benign by multiple in silico algorithms, and/or has population frequency not consistent with disease.

Genetic Services Laboratory, University of Chicago
Classification: Benign for AllHighlyPenetrant. Last evaluated: 2013-08-15. Review status: criteria provided, single submitter. Criteria: ACMG Guidelines, 2007. Collection method: clinical testing. Allele origin: germline. Inheritance: Autosomal recessive inheritance.

Breakthrough Genomics
Classification: Benign. Review status: criteria provided, single submitter. Criteria: ACMG Guidelines, 2015. Collection method: not provided. Allele origin: germline. Inheritance: Autosomal recessive inheritance. Affected: yes.

PreventionGenetics, part of Exact Sciences
Classification: Benign. Review status: criteria provided, single submitter. Criteria: ACMG Guidelines, 2015. Collection method: clinical testing. Allele origin: germline.